The following is an entry in ClinVar:

ClinVar aggregate classification (germline): Uncertain significance (1 of 4 stars; one submission).

Allele frequency attached by ClinVar (database versions not stated): gnomAD exomes below 0.00001; ExAC 0.00001; ESP Exome Variant Server 0.00008; gnomAD 0.00002.
gnomAD v4.1: 3 of 1,613,872 alleles (0.00019%); highest among the groups gnomAD compares: African/African-American, 0.004%; no homozygotes.

Submission:

Labcorp Genetics (formerly Invitae), Labcorp
Classification: Uncertain significance. Last evaluated: 2021-12-15. Review status: criteria provided, single submitter. Criteria: Invitae Variant Classification Sherloc (09022015). Collection method: clinical testing. Allele origin: germline.
Comment: This sequence change replaces proline, which is neutral and non-polar, with serine, which is neutral and polar, at codon 424 of the MUT protein (p.Pro424Ser). This variant is present in population databases (rs373381232, gnomAD 0.007%). This variant has not been reported in the literature in individuals affected with MUT-related conditions. Algorithms developed to predict the effect of missense changes on protein structure and function are either unavailable or do not agree on the potential impact of this missense change (SIFT: "Deleterious"; PolyPhen-2: "Probably Damaging"; Align-GVGD: "Class C0"). In summary, the available evidence is currently insufficient to determine the role of this variant in disease. Therefore, it has been classified as a Variant of Uncertain Significance.

NM_000255.4(MMUT):c.1270C>T (p.Pro424Ser)

Gene: MMUT (methylmalonyl-CoA mutase; minus strand). Cytogenetic location: 6p12.3.
Variant type: single nucleotide variant.
Coding change: c.1270C>T on transcript NM_000255.4 (MANE Select); coding-DNA position 1270, C replaced by T.
Protein change: p.Pro424Ser; replaces proline 424 with serine.
Molecular consequence: missense variant.
Genome position (GRCh38, 1-based): chr6:49,451,528, G>A on the plus strand (C>T on the coding strand, the complement: MMUT is on the minus strand). VCF-style: chr6-49451528-G-A. GRCh37 (hg19) VCF-style: chr6-49419241-G-A.
Other names: short protein forms P424S.
Identifiers: ClinVar variation 1433445 (VCV001433445.3), dbSNP rs373381232, ClinGen allele CA3846928.